The following is an entry in ClinVar:

NM_005422.4(TECTA):c.1044G>T (p.Leu348=)

Genes: TBCEL-TECTA (TBCEL-TECTA readthrough; plus strand), TECTA (tectorin alpha; plus strand). Cytogenetic location: 11q23.3.
Variant type: single nucleotide variant.
Coding change: c.1044G>T on transcript NM_005422.4 (MANE Select); coding-DNA position 1044, G replaced by T.
Protein change: p.Leu348=; no amino-acid change (leucine 348 retained).
Molecular consequence: synonymous variant.
Genome position (GRCh38, 1-based): chr11:121,118,559, G>T. VCF-style: chr11-121118559-G-T. GRCh37 (hg19) VCF-style: chr11-120989268-G-T.
Other names: c.2001G>T, p.Leu667= (NM_001378761.1).
Identifiers: ClinVar variation 4980204 (VCV004980204.1).

ClinVar aggregate classification (germline): Likely benign (1 of 4 stars; one submission).

Conditions:
TECTA-related disorder. Also called: TECTA-related condition.

Submission:

PreventionGenetics, part of Exact Sciences
Classification: Likely benign for TECTA-related condition. Last evaluated: 2025-05-04. Review status: criteria provided, single submitter. Criteria: ACMG Guidelines, 2015. Collection method: clinical testing. Allele origin: germline.
Comment: This variant is classified as likely benign based on ACMG/AMP sequence variant interpretation guidelines (Richards et al. 2015 PMID: 25741868, with internal and published modifications).